The following is an entry in ClinVar:

ClinVar aggregate classification (germline): Likely benign. Review status: criteria provided, single submitter (1 of 4 stars). 2 submissions from 2 submitters: Likely benign (1). 1 of the submissions does not count toward it. Last evaluated 2025-06-03.

Conditions:
HGD-related disorder. Also called: HGD-related condition.
Alkaptonuria (AKU). Also called: Homogentisic acidura; Alkaptonuric ochronosis; HOMOGENTISIC ACID OXIDASE DEFICIENCY; Alcaptonuria. Identifiers: Orphanet 56, MedGen C0002066, MONDO:0008753, OMIM 203500.

Allele frequency attached by ClinVar (database versions not stated): gnomAD exomes 0.00001 and 0.00002; ExAC 0.00003; gnomAD 0.00007 and 0.00009; TOPMed 0.00013.
gnomAD v4.1: 20 of 1,613,912 alleles (0.0012%); highest among the groups gnomAD compares: African/African-American, 0.025%; no homozygotes.

Submissions (2):

Labcorp Genetics (formerly Invitae), Labcorp
Classification: Likely benign for Alkaptonuria. Last evaluated: 2025-06-03. Review status: criteria provided, single submitter. Criteria: Invitae Variant Classification Sherloc (09022015). Collection method: clinical testing. Allele origin: germline.

PreventionGenetics, part of Exact Sciences
Classification: Likely benign for HGD-related condition. Last evaluated: 2019-05-03. Review status: no assertion criteria provided. Collection method: clinical testing. Allele origin: germline. Not counted in ClinVar's aggregate classification.
Comment: This variant is classified as likely benign based on ACMG/AMP sequence variant interpretation guidelines (Richards et al. 2015 PMID: 25741868, with internal and published modifications).

NM_000187.4(HGD):c.1080G>A (p.Gly360=)

Gene: HGD (homogentisate 1,2-dioxygenase; minus strand). Cytogenetic location: 3q13.33.
Variant type: single nucleotide variant.
Coding change: c.1080G>A on transcript NM_000187.4 (MANE Select); coding-DNA position 1080, G replaced by A.
Protein change: p.Gly360=; no amino-acid change (glycine 360 retained).
Molecular consequence: synonymous variant.
Genome position (GRCh38, 1-based): chr3:120,633,255, C>T on the plus strand (G>A on the coding strand, the complement: HGD is on the minus strand). VCF-style: chr3-120633255-C-T. GRCh37 (hg19) VCF-style: chr3-120352102-C-T.
Identifiers: ClinVar variation 720231 (VCV000720231.12), dbSNP rs752713602, ClinGen allele CA2559971.